The following is an entry in ClinVar:

ClinVar aggregate classification (germline): Uncertain significance (1 of 4 stars; one submission).

Conditions:
Tuberous sclerosis 2 (TSC2). Identifiers: Orphanet 805, MedGen C1860707, MONDO:0013199, OMIM 613254.

Submission:

Institute of Human Genetics, University of Leipzig Medical Center
Classification: Uncertain significance for Tuberous sclerosis 2. Last evaluated: 2025-07-30. Review status: criteria provided, single submitter. Criteria: ACMG Guidelines, 2015. Collection method: clinical testing. Allele origin: unknown. Inheritance: Autosomal dominant inheritance. Affected: yes.
Comment: Criteria applied: PM2,PP4

NM_000548.5(TSC2):c.2551G>T (p.Ala851Ser)

Gene: TSC2 (TSC complex subunit 2; plus strand). Cytogenetic location: 16p13.3.
Variant type: single nucleotide variant.
Coding change: c.2551G>T on transcript NM_000548.5 (MANE Select); coding-DNA position 2551, G replaced by T.
Protein change: p.Ala851Ser; replaces alanine 851 with serine.
Molecular consequence: missense variant. On other transcripts: non-coding transcript variant (5).
Genome position (GRCh38, 1-based): chr16:2,075,804, G>T. VCF-style: chr16-2075804-G-T. GRCh37 (hg19) VCF-style: chr16-2125805-G-T.
Other names: c.2584G>T, p.Ala862Ser (NM_001318832.2); c.2440G>T, p.Ala814Ser (NM_001406670.1, NM_001406678.1, NM_001318827.2); c.2539G>T, p.Ala847Ser (NM_001406671.1, NM_001406673.1); c.2404G>T, p.Ala802Ser (NM_001406675.1, NM_001406676.1, NM_001406679.1 and 1 more transcripts); c.2494G>T, p.Ala832Ser (NM_001406677.1); c.1951G>T, p.Ala651Ser (NM_001406680.1, NM_001318831.2, NM_001406682.1 and 6 more transcripts); c.2089G>T, p.Ala697Ser (NM_001406681.1); c.2551G>T, p.Ala851Ser (NM_001363528.2, NM_001370404.1, NM_001370405.1 and 6 more transcripts); and 3 more; short protein forms A317S, A403S, A651S, A697S, A802S, A814S, A832S, A847S.
Identifiers: ClinVar variation 4082330 (VCV004082330.1).